The following is an entry in ClinVar:

NM_001032.5(RPS29):c.31C>T (p.Pro11Ser)

Gene: RPS29 (ribosomal protein S29; minus strand). Cytogenetic location: 14q21.3.
Variant type: single nucleotide variant.
Coding change: c.31C>T on transcript NM_001032.5 (MANE Select); coding-DNA position 31, C replaced by T.
Protein change: p.Pro11Ser; replaces proline 11 with serine.
Molecular consequence: missense variant. On other transcripts: intron variant (1).
Genome position (GRCh38, 1-based): chr14:49,586,316, G>A on the plus strand (C>T on the coding strand, the complement: RPS29 is on the minus strand). VCF-style: chr14-49586316-G-A. GRCh37 (hg19) VCF-style: chr14-50053034-G-A.
Other names: c.31C>T, p.Pro11Ser (NM_001030001.4); c.54-267C>T (NM_001351375.2); short protein forms P11S.
Identifiers: ClinVar variation 2888622 (VCV002888622.3), dbSNP rs2502670085, ClinGen allele CA389755633.

ClinVar aggregate classification (germline): Uncertain significance (1 of 4 stars; one submission).

Allele frequency attached by ClinVar (database versions not stated): gnomAD exomes below 0.00001.
gnomAD v4.1: 6 of 1,613,950 alleles (0.00037%); highest among the groups gnomAD compares: Non-Finnish European, 0.00051%; no homozygotes.

Submission:

Labcorp Genetics (formerly Invitae), Labcorp
Classification: Uncertain significance. Last evaluated: 2022-10-20. Review status: criteria provided, single submitter. Criteria: Invitae Variant Classification Sherloc (09022015). Collection method: clinical testing. Allele origin: germline.
Comment: In summary, the available evidence is currently insufficient to determine the role of this variant in disease. Therefore, it has been classified as a Variant of Uncertain Significance. Algorithms developed to predict the effect of missense changes on protein structure and function are either unavailable or do not agree on the potential impact of this missense change (SIFT: "Deleterious"; PolyPhen-2: "Benign"; Align-GVGD: "Class C65"). This variant has not been reported in the literature in individuals affected with RPS29-related conditions. This variant is not present in population databases (gnomAD no frequency). This sequence change replaces proline, which is neutral and non-polar, with serine, which is neutral and polar, at codon 11 of the RPS29 protein (p.Pro11Ser).